The following is an entry in ClinVar:

ClinVar aggregate classification (germline): Benign (1 of 4 stars; one submission).

Conditions:
Seizures, benign familial neonatal, 2. Also called: CONVULSIONS, BENIGN FAMILIAL NEONATAL, 2; KCNQ3-Related Self-Limited Familial Neonatal Epilepsy (SLFNE); Benign Neonatal Epilepsy 2; KCNQ3-Related Benign Familial Neonatal Epilepsy; Seizures, benign neonatal, 2. Identifiers: Orphanet 1949, MedGen C1852581, MONDO:0007366, OMIM 121201.

Allele frequency attached by ClinVar (database versions not stated): gnomAD 0.00007 and 0.00004; 1000 Genomes Project 30x 0.00062; 1000 Genomes Project 0.00080; TOPMed 0.00008.
gnomAD v4.1: 11 of 152,320 alleles (0.0072%); highest among the groups gnomAD compares: East Asian, 0.17%; no homozygotes.

Submission:

Illumina Laboratory Services, Illumina
Classification: Benign for Seizures, benign familial neonatal, 2. Last evaluated: 2018-01-13. Review status: criteria provided, single submitter. Criteria: ICSL Variant Classification Criteria 13 December 2019. Collection method: clinical testing. Allele origin: germline.
Comment: This variant was observed in the ICSL laboratory as part of a predisposition screen in an ostensibly healthy population. It had not been previously curated by ICSL or reported in the Human Gene Mutation Database (HGMD: prior to June 1st, 2018), and was therefore a candidate for classification through an automated scoring system. Utilizing variant allele frequency, disease prevalence and penetrance estimates, and inheritance mode, an automated score was calculated to assess if this variant is too frequent to cause the disease. Based on the score and internal cut-off values, a variant classified as benign is not then subjected to further curation. The score for this variant resulted in a classification of benign for this disease.

NM_004519.4(KCNQ3):c.*5482A>G

Gene: KCNQ3 (potassium voltage-gated channel subfamily Q member 3; minus strand). Cytogenetic location: 8q24.22.
Variant type: single nucleotide variant.
Coding change: c.*5482A>G on transcript NM_004519.4 (MANE Select); 5482 bases downstream of the stop codon, A replaced by G.
Molecular consequence: 3 prime UTR variant.
Genome position (GRCh38, 1-based): chr8:132,123,780, T>C on the plus strand (A>G on the coding strand, the complement: KCNQ3 is on the minus strand). VCF-style: chr8-132123780-T-C. GRCh37 (hg19) VCF-style: chr8-133136027-T-C.
Other names: c.*5482A>G (NM_001204824.2).
Identifiers: ClinVar variation 361792 (VCV000361792.6), dbSNP rs192695801, ClinGen allele CA10627038.